The following is an entry in ClinVar:

NM_138433.5(KLHDC7B):c.523C>T (p.Leu175Phe)

Genes: KLHDC7B (kelch domain containing 7B; plus strand), KLHDC7B-DT (KLHDC7B divergent transcript; minus strand). Cytogenetic location: 22q13.33.
Variant type: single nucleotide variant.
Coding change: c.523C>T on transcript NM_138433.5 (MANE Select); coding-DNA position 523, C replaced by T.
Protein change: p.Leu175Phe; replaces leucine 175 with phenylalanine.
Molecular consequence: missense variant.
Genome position (GRCh38, 1-based): chr22:50,546,766, C>T. VCF-style: chr22-50546766-C-T. GRCh37 (hg19) VCF-style: chr22-50985195-C-T.
Other names: short protein forms L175F.
Identifiers: ClinVar variation 4083812 (VCV004083812.8).
Genomic context (GRCh38, chr22:50,546,766, plus strand): 5'-CCTCCCAGGCCAGGCACTGCCCTCCTGGGCAGGAGCGAAGCAGGGGGGATGTCCGCCCCC[C>T]TCCTGATCCACTTCACTCCTCGGAGCCCTGGCAGCGAAGCGGAGGCGGAGACAGGTGGTG-3'
Protein context (NP_612442.3, residues 165-185): RSEAGGMSAP[Leu175Phe]LIHFTPRSPG

ClinVar aggregate classification (germline): Likely benign (1 of 4 stars; one submission).

gnomAD v4.1: 897 of 152,304 alleles (0.59%); highest among the groups gnomAD compares: Middle Eastern, 2.4%; 5 homozygotes.

Submission:

CeGaT Center for Human Genetics Tuebingen
Classification: Likely benign. Last evaluated: 2025-05-01. Review status: criteria provided, single submitter. Criteria: CeGaT Center For Human Genetics Tuebingen Variant Classification Criteria Version 2. Collection method: clinical testing. Allele origin: germline. Affected: yes. Observed: 1 variant allele.
Comment: KLHDC7B: BS2